The following is an entry in ClinVar:

NM_007294.4(BRCA1):c.5074+7C>G

Gene: BRCA1 (BRCA1 DNA repair associated; minus strand). Cytogenetic location: 17q21.31.
Variant type: single nucleotide variant.
Coding change: c.5074+7C>G on transcript NM_007294.4 (MANE Select); 7 bases into the intron after coding-DNA position 5074, C replaced by G.
Molecular consequence: intron variant.
Genome position (GRCh38, 1-based): chr17:43,067,601, G>C on the plus strand (C>G on the coding strand, the complement: BRCA1 is on the minus strand). VCF-style: chr17-43067601-G-C. GRCh37 (hg19) VCF-style: chr17-41219618-G-C.
Other names: c.1621+7C>G (NM_001408458.1, NM_001408461.1, NM_001408464.1 and 7 more transcripts); c.4183+7C>G (NM_001407967.1); c.4693+7C>G (NM_001407959.1); c.4807+7C>G (NM_001407931.1, NM_001407932.1, NM_001407928.1 and 4 more transcripts); c.4930+7C>G (NM_001407747.1, NM_001407745.1, NM_001407737.1 and 21 more transcripts); c.4690+7C>G (NM_001407962.1, NM_001407960.1); c.1261+7C>G (NM_001408512.1); c.1384+7C>G (NM_001408510.1); and 71 more.
Identifiers: ClinVar variation 868601 (VCV000868601.3), dbSNP rs1597825506, ClinGen allele CA916080151.

Conditions:
Breast-ovarian cancer, familial, susceptibility to, 1 (BROVCA1). Also called: BRCA1 Hereditary Breast and Ovarian Cancer; OVARIAN CANCER, SUSCEPTIBILITY TO. Identifiers: Orphanet 145, MedGen C2676676, MONDO:0011450, OMIM 604370. Disease mechanism: loss of function.

Submission:

Brotman Baty Institute, University of Washington
No classification provided (evidence only). Condition: Breast-ovarian cancer, familial 1. Review status: no classification provided. Collection method: in vitro. Allele origin: not applicable. Functional consequence: functionally_normal.
ClinVar note: "not provided" was previously submitted as the classification for the variant. However, the classification appeared to be based only on an observation of functional data so it was converted to no classification on 2025-07-30.